The following is an entry in ClinVar:

ClinVar aggregate classification (germline): Uncertain significance (1 of 4 stars; one submission).

Conditions:
Cystic fibrosis (CF). Also called: MUCOVISCIDOSIS. Identifiers: Orphanet 586, MedGen C0010674, MONDO:0009061, OMIM 219700. Disease mechanism: loss of function.

Allele frequency attached by ClinVar (database versions not stated): gnomAD 0.00001.
gnomAD v4.1: 5 of 1,611,792 alleles (0.00031%); highest among the groups gnomAD compares: South Asian, 0.0044%; no homozygotes.

Submission:

Ambry Genetics
Classification: Uncertain significance for Cystic fibrosis. Last evaluated: 2022-03-29. Review status: criteria provided, single submitter. Criteria: Ambry Variant Classification Scheme 2023. Collection method: clinical testing. Allele origin: germline.
Comment: The p.A1146V variant (also known as c.3437C>T), located in coding exon 21 of the CFTR gene, results from a C to T substitution at nucleotide position 3437. The alanine at codon 1146 is replaced by valine, an amino acid with similar properties. This amino acid position is highly conserved in available vertebrate species. In addition, this alteration is predicted to be deleterious by in silico analysis. Since supporting evidence is limited at this time, the clinical significance of this alteration remains unclear.

NM_000492.4(CFTR):c.3437C>T (p.Ala1146Val)

Genes: CFTR (CF transmembrane conductance regulator; plus strand), CFTR-AS2 (CFTR antisense RNA 2; minus strand). Cytogenetic location: 7q31.2.
Variant type: single nucleotide variant.
Coding change: c.3437C>T on transcript NM_000492.4 (MANE Select); coding-DNA position 3437, C replaced by T.
Protein change: p.Ala1146Val; replaces alanine 1146 with valine.
Molecular consequence: missense variant.
Genome position (GRCh38, 1-based): chr7:117,614,682, C>T. VCF-style: chr7-117614682-C-T. GRCh37 (hg19) VCF-style: chr7-117254736-C-T.
Other names: short protein forms A1146V.
Identifiers: ClinVar variation 1731420 (VCV001731420.2), dbSNP rs773511304, ClinGen allele CA368993613.